The following is an entry in ClinVar:

NM_001271938.2(MEGF8):c.428C>T (p.Pro143Leu)

Gene: MEGF8 (multiple EGF like domains 8; plus strand). Cytogenetic location: 19q13.2.
Variant type: single nucleotide variant.
Coding change: c.428C>T on transcript NM_001271938.2 (MANE Select); coding-DNA position 428, C replaced by T.
Protein change: p.Pro143Leu; replaces proline 143 with leucine.
Molecular consequence: missense variant.
Genome position (GRCh38, 1-based): chr19:42,334,083, C>T. VCF-style: chr19-42334083-C-T. GRCh37 (hg19) VCF-style: chr19-42838235-C-T.
Other names: c.428C>T, p.Pro143Leu (NM_001410.3); short protein forms P143L.
Identifiers: ClinVar variation 473332 (VCV000473332.6), dbSNP rs765654107, ClinGen allele CA9474173.
Genomic context (GRCh38, chr19:42,334,083, plus strand): 5'-TCAGTGATGCCAACTACAACCTGCTGGGCTTTAACGCCTCATTCCGCTTCTCCCTGTGCC[C>T]GGGTGGCTGCCAGAGCCACGGGCAGTGCCAGCCACCGGGTGTGTGTGCCTGCGAGCCGGG-3'
Protein context (NP_001258867.1, residues 133-153): FNASFRFSLC[Pro143Leu]GGCQSHGQCQ

ClinVar aggregate classification (germline): Uncertain significance. Review status: criteria provided, multiple submitters, no conflicts (2 of 4 stars). 2 submissions from 2 submitters: Uncertain significance (2). Last evaluated 2023-09-26.

Conditions:
MEGF8-related Carpenter syndrome. Also called: Carpenter syndrome 2. Identifiers: Orphanet 65759, MedGen C3554247, MONDO:0013998, OMIM 614976.
Inborn genetic diseases. Identifiers: MedGen C0950123, MeSH D030342.

gnomAD v4.1: 14 of 1,613,418 alleles (0.00087%); highest among the groups gnomAD compares: African/African-American, 0.0027%; no homozygotes.

Submissions (2):

Ambry Genetics
Classification: Uncertain significance for Inborn genetic diseases. Last evaluated: 2023-09-26. Review status: criteria provided, single submitter. Criteria: Ambry Variant Classification Scheme 2023. Collection method: clinical testing. Allele origin: germline.

Labcorp Genetics (formerly Invitae), Labcorp
Classification: Uncertain significance for MEGF8-related Carpenter syndrome. Last evaluated: 2021-08-26. Review status: criteria provided, single submitter. Criteria: Invitae Variant Classification Sherloc (09022015). Collection method: clinical testing. Allele origin: germline.
Comment: This sequence change replaces proline with leucine at codon 143 of the MEGF8 protein (p.Pro143Leu). The proline residue is weakly conserved and there is a moderate physicochemical difference between proline and leucine. This variant is present in population databases (rs765654107, ExAC 0.009%). This variant has not been reported in the literature in individuals affected with MEGF8-related conditions. Algorithms developed to predict the effect of missense changes on protein structure and function output the following: SIFT: "Tolerated"; PolyPhen-2: "Benign"; Align-GVGD: "Class C0". The leucine amino acid residue is found in multiple mammalian species, which suggests that this missense change does not adversely affect protein function. In summary, the available evidence is currently insufficient to determine the role of this variant in disease. Therefore, it has been classified as a Variant of Uncertain Significance.